The following is an entry in ClinVar:

NM_006277.3(ITSN2):c.1473T>G (p.Leu491=)

Gene: ITSN2 (intersectin 2; minus strand). Cytogenetic location: 2p23.3.
Variant type: single nucleotide variant.
Coding change: c.1473T>G on transcript NM_006277.3 (MANE Select); coding-DNA position 1473, T replaced by G.
Protein change: p.Leu491=; no amino-acid change (leucine 491 retained).
Molecular consequence: synonymous variant.
Genome position (GRCh38, 1-based): chr2:24,298,686, A>C on the plus strand (T>G on the coding strand, the complement: ITSN2 is on the minus strand). VCF-style: chr2-24298686-A-C. GRCh37 (hg19) VCF-style: chr2-24521555-A-C.
Other names: c.1431T>G, p.Leu477= (NM_001348181.2, NM_001348184.2); c.1473T>G, p.Leu491= (NM_001348182.2, NM_001348183.2, NM_001348185.2 and 3 more transcripts).
Identifiers: ClinVar variation 2650716 (VCV002650716.24), dbSNP rs568726440, ClinGen allele CA1551471.

ClinVar aggregate classification (germline): Likely benign (1 of 4 stars; one submission).

Allele frequency attached by ClinVar (database versions not stated): ExAC 0.00001; gnomAD 0.00001; 1000 Genomes Project 30x 0.00016; 1000 Genomes Project 0.00020.
gnomAD v4.1: 1 of 1,602,936 alleles (0.000062%); highest among the groups gnomAD compares: South Asian, 0.0011%; no homozygotes.

Submission:

CeGaT Center for Human Genetics Tuebingen
Classification: Likely benign. Last evaluated: 2022-03-01. Review status: criteria provided, single submitter. Criteria: CeGaT Center For Human Genetics Tuebingen Variant Classification Criteria Version 2. Collection method: clinical testing. Allele origin: germline. Affected: yes. Observed: 1 variant allele.
Comment: ITSN2: BP4, BP7